The following is an entry in ClinVar:

ClinVar aggregate classification (germline): Uncertain significance (1 of 4 stars; one submission).

Conditions:
ZNF462-related disorder. Also called: ZNF462-related condition; ZNF462 related disease.

Allele frequency attached by ClinVar (database versions not stated): TOPMed below 0.00001.

Submission:

PreventionGenetics, part of Exact Sciences
Classification: Uncertain significance for ZNF462-related condition. Last evaluated: 2022-08-18. Review status: criteria provided, single submitter. Criteria: ACMG Guidelines, 2015. Collection method: clinical testing. Allele origin: germline.
Comment: The ZNF462 c.4477C>T variant is predicted to result in the amino acid substitution p.His1493Tyr. To our knowledge, this variant has not been reported in the literature or in a large population database, indicating this variant is rare. At this time, the clinical significance of this variant is uncertain due to the absence of conclusive functional and genetic evidence.

NM_021224.6(ZNF462):c.4477C>T (p.His1493Tyr)

Gene: ZNF462 (zinc finger protein 462; plus strand). Cytogenetic location: 9q31.2.
Variant type: single nucleotide variant.
Coding change: c.4477C>T on transcript NM_021224.6 (MANE Select); coding-DNA position 4477, C replaced by T.
Protein change: p.His1493Tyr; replaces histidine 1493 with tyrosine.
Molecular consequence: missense variant. On other transcripts: intron variant (1).
Genome position (GRCh38, 1-based): chr9:106,928,389, C>T. VCF-style: chr9-106928389-C-T. GRCh37 (hg19) VCF-style: chr9-109690670-C-T.
Other names: c.3252+1225C>T (NM_001347997.2); short protein forms H1493Y.
Identifiers: ClinVar variation 2636502 (VCV002636502.1), dbSNP rs1339121127, ClinGen allele CA374408781.